The following is an entry in ClinVar:

NM_020163.3(SEMA3G):c.156C>T (p.Pro52=)

Gene: SEMA3G (semaphorin 3G; minus strand). Cytogenetic location: 3p21.1.
Variant type: single nucleotide variant.
Coding change: c.156C>T on transcript NM_020163.3 (MANE Select); coding-DNA position 156, C replaced by T.
Protein change: p.Pro52=; no amino-acid change (proline 52 retained).
Molecular consequence: synonymous variant.
Genome position (GRCh38, 1-based): chr3:52,442,867, G>A on the plus strand (C>T on the coding strand, the complement: SEMA3G is on the minus strand). VCF-style: chr3-52442867-G-A. GRCh37 (hg19) VCF-style: chr3-52476883-G-A.
Identifiers: ClinVar variation 3353991 (VCV003353991.1).

ClinVar aggregate classification (germline): Likely benign (0 of 4 stars; one submission).

Conditions:
SEMA3G-related disorder. Also called: SEMA3G-related condition.

gnomAD v4.1: 2 of 1,608,600 alleles (0.00012%); highest among the groups gnomAD compares: African/African-American, 0.0027%; no homozygotes.

Submission:

PreventionGenetics, part of Exact Sciences
Classification: Likely benign for SEMA3G-related condition. Last evaluated: 2022-11-23. Review status: no assertion criteria provided. Collection method: clinical testing. Allele origin: germline.
Comment: This variant is classified as likely benign based on ACMG/AMP sequence variant interpretation guidelines (Richards et al. 2015 PMID: 25741868, with internal and published modifications).